The following is an entry in ClinVar:

NM_015135.3(NUP205):c.615G>C (p.Glu205Asp)

Gene: NUP205 (nucleoporin 205; plus strand). Cytogenetic location: 7q33.
Variant type: single nucleotide variant.
Coding change: c.615G>C on transcript NM_015135.3 (MANE Select); coding-DNA position 615, G replaced by C.
Protein change: p.Glu205Asp; replaces glutamic acid 205 with aspartic acid.
Molecular consequence: missense variant. On other transcripts: 5 prime UTR variant (1).
Genome position (GRCh38, 1-based): chr7:135,577,095, G>C. VCF-style: chr7-135577095-G-C. GRCh37 (hg19) VCF-style: chr7-135261843-G-C.
Other names: c.-471G>C (NM_001329434.2); short protein forms E205D.
Identifiers: ClinVar variation 2144652 (VCV002144652.4), dbSNP rs1806172992, ClinGen allele CA369349425.

ClinVar aggregate classification (germline): Uncertain significance (1 of 4 stars; one submission).

Submission:

Labcorp Genetics (formerly Invitae), Labcorp
Classification: Uncertain significance. Last evaluated: 2024-02-24. Review status: criteria provided, single submitter. Criteria: Invitae Variant Classification Sherloc (09022015). Collection method: clinical testing. Allele origin: germline.
Comment: This sequence change replaces glutamic acid, which is acidic and polar, with aspartic acid, which is acidic and polar, at codon 205 of the NUP205 protein (p.Glu205Asp). This variant is not present in population databases (gnomAD no frequency). This variant has not been reported in the literature in individuals affected with NUP205-related conditions. ClinVar contains an entry for this variant (Variation ID: 2144652). Advanced modeling of protein sequence and biophysical properties (such as structural, functional, and spatial information, amino acid conservation, physicochemical variation, residue mobility, and thermodynamic stability) performed at Invitae indicates that this missense variant is not expected to disrupt NUP205 protein function with a negative predictive value of 80%. In summary, the available evidence is currently insufficient to determine the role of this variant in disease. Therefore, it has been classified as a Variant of Uncertain Significance.